The following is an entry in ClinVar:

ClinVar aggregate classification (germline): Uncertain significance (1 of 4 stars; one submission).

Conditions:
Inborn genetic diseases. Identifiers: MedGen C0950123, MeSH D030342.

gnomAD v4.1: 1 of 1,611,792 alleles (0.000062%); highest among the groups gnomAD compares: Admixed American, 0.0017%; no homozygotes.

Submission:

Ambry Genetics
Classification: Uncertain significance for Inborn genetic diseases. Last evaluated: 2024-12-29. Review status: criteria provided, single submitter. Criteria: Ambry Variant Classification Scheme 2023. Collection method: clinical testing. Allele origin: germline.
Comment: The p.Q141H variant (also known as c.423A>T), located in coding exon 3 of the MECOM gene, results from an A to T substitution at nucleotide position 423. The glutamine at codon 141 is replaced by histidine, an amino acid with highly similar properties. This amino acid position is conserved. In addition, this alteration is predicted to be tolerated by in silico analysis. Based on the available evidence, the clinical significance of this variant remains unclear.

NM_004991.4(MECOM):c.423A>T (p.Gln141His)

Gene: MECOM (MDS1 and EVI1 complex locus; minus strand). Cytogenetic location: 3q26.2.
Variant type: single nucleotide variant.
Coding change: c.423A>T on transcript NM_004991.4 (MANE Select); coding-DNA position 423, A replaced by T.
Protein change: p.Gln141His; replaces glutamine 141 with histidine.
Molecular consequence: missense variant. On other transcripts: 5 prime UTR variant (12).
Genome position (GRCh38, 1-based): chr3:169,143,785, T>A on the plus strand (A>T on the coding strand, the complement: MECOM is on the minus strand). VCF-style: chr3-169143785-T-A. GRCh37 (hg19) VCF-style: chr3-168861573-T-A.
Other names: c.51A>T, p.Gln17His (NM_001105077.4); c.-142A>T (NM_001105078.4, NM_001163999.2, NM_001164000.2 and 9 more transcripts); c.423A>T, p.Gln141His (NM_001366466.2, NM_001366473.2); short protein forms Q17H, Q141H.
Identifiers: ClinVar variation 3871649 (VCV003871649.1).